The following is an entry in ClinVar:

ClinVar aggregate classification (germline): Benign/Likely benign. Review status: criteria provided, multiple submitters, no conflicts (2 of 4 stars). 4 submissions from 4 submitters: Benign (1); Likely benign (3). Last evaluated 2023-06-01.

Conditions:
Tuberous sclerosis syndrome (TSC). Also called: Tuberous sclerosis; Tuberous Sclerosis Complex. Identifiers: Orphanet 805, MedGen C0041341, MONDO:0001734.

Allele frequency attached by ClinVar (database versions not stated): 1000 Genomes Project 0.00040; TOPMed 0.00103; 1000 Genomes Project 30x 0.00109; gnomAD exomes 0.00210; gnomAD 0.00332 and 0.00342.

Submissions (4):

CeGaT Center for Human Genetics Tuebingen
Classification: Likely benign. Last evaluated: 2023-06-01. Review status: criteria provided, single submitter. Criteria: CeGaT Center For Human Genetics Tuebingen Variant Classification Criteria Version 2. Collection method: clinical testing. Allele origin: germline. Affected: yes. Observed: 6 variant alleles.
Comment: TSC2: BS1

GeneDx
Classification: Likely benign. Last evaluated: 2018-07-20. Review status: criteria provided, single submitter. Criteria: GeneDx Variant Classification Process June 2021. Collection method: clinical testing. Allele origin: germline. Affected: yes.

Blueprint Genetics
Classification: Likely benign. Last evaluated: 2018-04-19. Review status: criteria provided, single submitter. Criteria: ACMG Guidelines, 2015. Collection method: clinical testing. Allele origin: germline.

Illumina Laboratory Services, Illumina
Classification: Benign for Tuberous sclerosis syndrome. Last evaluated: 2018-01-12. Review status: criteria provided, single submitter. Criteria: ICSL Variant Classification Criteria 13 December 2019. Collection method: clinical testing. Allele origin: germline.
Comment: This variant was observed in the ICSL laboratory as part of a predisposition screen in an ostensibly healthy population. It had not been previously curated by ICSL or reported in the Human Gene Mutation Database (HGMD: prior to June 1st, 2018), and was therefore a candidate for classification through an automated scoring system. Utilizing variant allele frequency, disease prevalence and penetrance estimates, and inheritance mode, an automated score was calculated to assess if this variant is too frequent to cause the disease. Based on the score and internal cut-off values, a variant classified as benign is not then subjected to further curation. The score for this variant resulted in a classification of benign for this disease.

NM_000548.5(TSC2):c.-65G>C

Genes: TSC2 (TSC complex subunit 2; plus strand), LOC130058210 (ATAC-STARR-seq lymphoblastoid silent region 7024; plus strand). Cytogenetic location: 16p13.3.
Variant type: single nucleotide variant.
Coding change: c.-65G>C on transcript NM_000548.5 (MANE Select); 65 bases upstream of the start codon, G replaced by C.
Molecular consequence: 5 prime UTR variant.
Genome position (GRCh38, 1-based): chr16:2,048,030, G>C. VCF-style: chr16-2048030-G-C. GRCh37 (hg19) VCF-style: chr16-2098031-G-C.
Other names: c.-65G>C (NM_001077183.3, NM_001114382.3, NM_001318827.2 and 4 more transcripts); c.-45G>C (NM_001318829.2); c.-291G>C (NM_001318831.2).
Identifiers: ClinVar variation 318303 (VCV000318303.32), dbSNP rs563544506, ClinGen allele CA10648006.